The following is an entry in ClinVar:

ClinVar aggregate classification (germline): Uncertain significance (1 of 4 stars; one submission).

Submission:

GeneDx
Classification: Uncertain significance. Last evaluated: 2025-05-01. Review status: criteria provided, single submitter. Criteria: GeneDx Variant Classification Process June 2021. Collection method: clinical testing. Allele origin: germline. Affected: yes.
Comment: Not observed at significant frequency in large population cohorts (gnomAD); In silico analysis indicates that this missense variant does not alter protein structure/function; Has not been previously published as pathogenic or benign to our knowledge

NM_000026.4(ADSL):c.226A>G (p.Met76Val)

Gene: ADSL (adenylosuccinate lyase; plus strand). Cytogenetic location: 22q13.1.
Variant type: single nucleotide variant.
Coding change: c.226A>G on transcript NM_000026.4 (MANE Select); coding-DNA position 226, A replaced by G.
Protein change: p.Met76Val; replaces methionine 76 with valine.
Molecular consequence: missense variant. On other transcripts: non-coding transcript variant (1).
Genome position (GRCh38, 1-based): chr22:40,349,904, A>G. VCF-style: chr22-40349904-A-G. GRCh37 (hg19) VCF-style: chr22-40745908-A-G.
Other names: c.226A>G, p.Met76Val (NM_001123378.3, NM_001363840.3, NM_001410812.1 and 2 more transcripts); c.34A>G, p.Met12Val (NM_001317923.2); short protein forms M12V, M76V.
Identifiers: ClinVar variation 4527748 (VCV004527748.1).
Genomic context (GRCh38, chr22:40,349,904, plus strand): 5'-CCTATCACAGATGAACAAATCCAGGAGATGAAATCAAACCTGGAGAACATCGACTTCAAG[A>G]TGGCAGCTGAGGAAGAGAAACGTTTACGACATGATGTGATGGCTCACGTGCACACATTTG-3'
Protein context (NP_000017.1, residues 66-86): KSNLENIDFK[Met76Val]AAEEEKRLRH